The following is an entry in ClinVar:

ClinVar aggregate classification (germline): Pathogenic/Likely pathogenic. Review status: criteria provided, multiple submitters, no conflicts (2 of 4 stars). 2 submissions from 2 submitters: Pathogenic (1); Likely pathogenic (1). Last evaluated 2025-02-14.

Conditions:
Glycogen storage disease, type IV (GSD4). Also called: AMYLOPECTINOSIS; ANDERSEN DISEASE; BRANCHER DEFICIENCY; CIRRHOSIS, FAMILIAL, WITH DEPOSITION OF ABNORMAL GLYCOGEN; GBE1 DEFICIENCY; GLYCOGEN BRANCHING ENZYME DEFICIENCY. Identifiers: Orphanet 367, MedGen C0017923, MONDO:0009292, OMIM 232500.
Glycogen storage disease IV, classic hepatic. Also called: GSD IV, CLASSIC HEPATIC. Identifiers: MedGen C1856301.

Allele frequency attached by ClinVar (database versions not stated): gnomAD exomes below 0.00001.

Submissions (2):

Natera, Inc.
Classification: Likely pathogenic for Glycogen storage disease type IV. Last evaluated: 2025-02-14. Review status: criteria provided, single submitter. Criteria: Natera Variant Classification Schema (03/2026). Collection method: clinical testing. Allele origin: germline.
Comment: The c.1098_1099insGTGA variant in GBE1 is a frameshift variant predicted to shift the reading frame beginning at codon 367 and leads to a stop codon 11 codons downstream. This variant is expected to result in nonsense mediated decay, truncation, or a dysfunctional protein product. This variant is rare in the general population with a frequency below the threshold expected for the associated phenotype(s). Given the available evidence, this variant is classified as Likely Pathogenic.

Labcorp Genetics (formerly Invitae), Labcorp
Classification: Pathogenic for Glycogen storage disease, type IV; Glycogen storage disease IV, classic hepatic. Last evaluated: 2023-04-10. Review status: criteria provided, single submitter. Criteria: Invitae Variant Classification Sherloc (09022015). Collection method: clinical testing. Allele origin: germline.
Comment: For these reasons, this variant has been classified as Pathogenic. This variant has not been reported in the literature in individuals affected with GBE1-related conditions. This variant is not present in population databases (gnomAD no frequency). This sequence change creates a premature translational stop signal (p.His367Valfs*11) in the GBE1 gene. It is expected to result in an absent or disrupted protein product. Loss-of-function variants in GBE1 are known to be pathogenic (PMID: 15452297, 20058079).

Literature cited by the submitters: PubMed 15452297 (cited by Labcorp Genetics (formerly Invitae), Labcorp); PubMed 20058079 (cited by Labcorp Genetics (formerly Invitae), Labcorp).

NM_000158.4(GBE1):c.1098_1099insGTGA (p.His367fs)

Gene: GBE1 (1,4-alpha-glucan branching enzyme 1; minus strand). Cytogenetic location: 3p12.2.
Variant type: Insertion.
Coding change: c.1098_1099insGTGA on transcript NM_000158.4 (MANE Select); coding-DNA positions 1098 to 1099, GTGA inserted.
Protein change: p.His367fs; shifts the reading frame from histidine 367.
Molecular consequence: frameshift variant.
Genome position: GRCh38 VCF-style: chr3-81593917-G-GTCAC. GRCh37 (hg19) VCF-style: chr3-81643068-G-GTCAC.
Other names: c.1098_1099insGTGA (NM_000158.3); short protein forms H367fs.
Identifiers: ClinVar variation 2946487 (VCV002946487.5), dbSNP rs2471744785, ClinGen allele CA2666604928.
Genomic context (GRCh38, chr3:81,593,917, plus strand): 5'-TATTGCAGCTTCTGCAATTAACCCCAAACCTGATTATATCAGGTTACCTACCCACTCCAT[G>GTCAC]GTGATGATAAAGCATGGACGTAACACCATCAAAACGAAATCCATCAAAGCGATATTCTTC-3'